The following is an entry in ClinVar:

ClinVar aggregate classification (germline): Pathogenic/Likely pathogenic. Review status: criteria provided, multiple submitters, no conflicts (2 of 4 stars). 2 submissions from 2 submitters: Pathogenic (1); Likely pathogenic (1). Last evaluated 2023-05-19.

Conditions:
Neurodevelopmental disorder with regression, abnormal movements, loss of speech, and seizures. Identifiers: Orphanet 597623, MedGen C4748127, MONDO:0060759, OMIM 618088.

Submissions (2):

Institute for Clinical Genetics, University Hospital TU Dresden, University Hospital TU Dresden
Classification: Likely pathogenic for Neurodevelopmental disorder with regression, abnormal movements, loss of speech, and seizures. Last evaluated: 2023-05-19. Review status: criteria provided, single submitter. Criteria: ACMG Guidelines, 2015. Collection method: clinical testing. Allele origin: de novo. Affected: yes.
Comment: The above-mentioned reading frame variant in the IRF2BPL gene (NM_024496.3:c.283_320del p.(Ala95Thrfs*25)) leads to a reading frame shift in exon 1 of 1 and termination of translation by a premature stop codon due to the loss of 38 base pairs. At the protein level, a >10% shortened, non-functional or functionally altered protein is probably formed; a nonsense mediated mRNA decay (NMD) is not to be expected in intronless genes. The actual effect of the variant at protein level has not yet been functionally investigated. The variant has not yet been detected in the gnomAD database of healthy individuals. According to current ACMG recommendations for variant assessment (PMID 25741868), the criteria PVS1_STR, PM6, PS4_SUP and PM2_SUP are fulfilled, resulting in an assessment as a probable pathogenic variant (ACMG class 4).

Institute of Medical Genetics and Applied Genomics, University Hospital Tübingen
Classification: Pathogenic. Last evaluated: 2020-10-23. Review status: criteria provided, single submitter. Criteria: ACMG Guidelines, 2015. Collection method: clinical testing. Allele origin: germline. Inheritance: Unknown mechanism. Affected: yes.

NM_024496.4(IRF2BPL):c.283_320del (p.Ala95fs)

Genes: IRF2BPL (interferon regulatory factor 2 binding protein like; minus strand), LOC107984638 (uncharacterized LOC107984638; plus strand). Cytogenetic location: 14q24.3.
Variant type: Deletion.
Coding change: c.283_320del on transcript NM_024496.4 (MANE Select); coding-DNA positions 283 to 320, 38 bases deleted.
Protein change: p.Ala95fs; shifts the reading frame from alanine 95.
Molecular consequence: frameshift variant.
Genome position (GRCh38, 1-based): chr14:77,027,473-77,027,510, 38 bases deleted; deleting any 38 consecutive bases within chr14:77,027,473-77,027,515 gives the same sequence; the c. name uses the placement nearest the transcript's 3' end. GRCh37 (hg19): chr14:77,493,821-77,493,858.
Other names: short protein forms A95fs.
Identifiers: ClinVar variation 986811 (VCV000986811.3), dbSNP rs1885182398, ClinGen allele CA1139663572.